The following is an entry in ClinVar:

ClinVar aggregate classification (germline): Benign/Likely benign. Review status: criteria provided, multiple submitters, no conflicts (2 of 4 stars). 4 submissions from 4 submitters: Benign (3); Likely benign (1). Last evaluated 2026-01-27.

Allele frequency attached by ClinVar (database versions not stated): gnomAD 0.00031 and 0.00044; TOPMed 0.00031; ESP Exome Variant Server 0.00038; gnomAD exomes 0.00049 and 0.00063; 1000 Genomes Project 0.00060; 1000 Genomes Project 30x 0.00062; ExAC 0.00072.
gnomAD v4.1: 782 of 1,614,216 alleles (0.048%); highest among the groups gnomAD compares: Middle Eastern, 0.33%; 5 homozygotes.

Submissions (4):

Labcorp Genetics (formerly Invitae), Labcorp
Classification: Benign. Last evaluated: 2026-01-27. Review status: criteria provided, single submitter. Criteria: Invitae Variant Classification Sherloc (09022015). Collection method: clinical testing. Allele origin: germline.

Blueprint Genetics
Classification: Benign. Last evaluated: 2024-11-25. Review status: criteria provided, single submitter. Criteria: ACMG Guidelines, 2015. Collection method: clinical testing. Allele origin: germline.

CeGaT Center for Human Genetics Tuebingen
Classification: Likely benign. Last evaluated: 2023-05-01. Review status: criteria provided, single submitter. Criteria: CeGaT Center For Human Genetics Tuebingen Variant Classification Criteria Version 2. Collection method: clinical testing. Allele origin: germline. Affected: yes. Observed: 1 variant allele.
Comment: CAD: BP4, BS2

Breakthrough Genomics
Classification: Benign. Review status: criteria provided, single submitter. Criteria: ACMG Guidelines, 2015. Collection method: not provided. Allele origin: germline. Inheritance: Autosomal recessive inheritance. Affected: yes.

NM_004341.5(CAD):c.3186G>A (p.Gln1062=)

Gene: CAD (carbamoyl-phosphate synthetase 2, aspartate transcarbamylase, and dihydroorotase; plus strand). Cytogenetic location: 2p23.3.
Variant type: single nucleotide variant.
Coding change: c.3186G>A on transcript NM_004341.5 (MANE Select); coding-DNA position 3186, G replaced by A.
Protein change: p.Gln1062=; no amino-acid change (glutamine 1062 retained).
Molecular consequence: synonymous variant.
Genome position (GRCh38, 1-based): chr2:27,233,506, G>A. VCF-style: chr2-27233506-G-A. GRCh37 (hg19) VCF-style: chr2-27456374-G-A.
Other names: c.2997G>A, p.Gln999= (NM_001306079.2).
Identifiers: ClinVar variation 732455 (VCV000732455.35), dbSNP rs55916426, ClinGen allele CA1573213.